The following is an entry in ClinVar:

NC_000007.13:g.(?_94037531)_(94038117_?)del

Gene: COL1A2 (collagen type I alpha 2 chain; plus strand). Cytogenetic location: 7q21.3.
Variant type: Deletion.
Identifiers: ClinVar variation 2422336 (VCV002422336.7).

ClinVar aggregate classification (germline): Pathogenic (1 of 4 stars; one submission).

Conditions:
Ehlers-Danlos syndrome, classic type, 1 (EDSCL1). Also called: EDS I; EHLERS-DANLOS SYNDROME, GRAVIS TYPE; EHLERS-DANLOS SYNDROME, SEVERE CLASSIC TYPE; Ehlers-Danlos syndrome, type 1; Ehlers-Danlos Syndrome, Classic Type, COL5A1-Related. Identifiers: MedGen C0268335, MONDO:0019567, OMIM 130000.
Osteogenesis imperfecta type I (OI1). Also called: Classic Non-deforming Osteogenesis Imperfecta with Blue Sclerae; OI, TYPE I; OSTEOGENESIS IMPERFECTA TARDA; OSTEOGENESIS IMPERFECTA WITH BLUE SCLERAE; Osteogenesis imperfecta type 1; Lobstein's Disease. Identifiers: Orphanet 216796, Orphanet 666, MedGen C0023931, MONDO:0008146, OMIM 166200. Disease mechanism: loss of function.

Submission:

Labcorp Genetics (formerly Invitae), Labcorp
Classification: Pathogenic for Osteogenesis imperfecta type I; Ehlers-Danlos syndrome, classic type, 1. Last evaluated: 2022-07-31. Review status: criteria provided, single submitter. Criteria: Invitae Variant Classification Sherloc (09022015). Collection method: clinical testing. Allele origin: germline.
Comment: For these reasons, this variant has been classified as Pathogenic. This variant disrupts the triple helix domain of COL1A2. Glycine residues within the Gly-Xaa-Yaa repeats of the triple helix domain are required for the structure and stability of fibrillar collagens (PMID: 7695699, 8218237, 19344236). In COL1A2, variants affecting these glycine residues are significantly enriched in individuals with disease (PMID: 9016532, 17078022) compared to the general population (ExAC). This variant has not been reported in the literature in individuals affected with COL1A2-related conditions. This variant results in the deletion of exon 15 and part of exons 14 and 16 (c.690_788del) of the COL1A2 gene. This variant would be expected to be in-frame, preserving the integrity of the reading frame.

Literature cited by the submitters: PubMed 7695699; PubMed 8218237; PubMed 19344236; PubMed 9016532; PubMed 17078022.